The following is an entry in ClinVar:

ClinVar aggregate classification (germline): Uncertain significance (1 of 4 stars; one submission).

Conditions:
Hereditary cancer-predisposing syndrome. Also called: Neoplastic Syndromes, Hereditary; Tumor predisposition; Hereditary Cancer Syndrome; Hereditary neoplastic syndrome. Identifiers: Orphanet 140162, MedGen C0027672, MeSH D009386, MONDO:0015356.

Submission:

Ambry Genetics
Classification: Uncertain significance for Hereditary cancer-predisposing syndrome. Last evaluated: 2021-10-21. Review status: criteria provided, single submitter. Criteria: Ambry Variant Classification Scheme 2023. Collection method: clinical testing. Allele origin: germline.
Comment: The p.N248T variant (also known as c.743A>C), located in coding exon 8 of the CDC73 gene, results from an A to C substitution at nucleotide position 743. The asparagine at codon 248 is replaced by threonine, an amino acid with similar properties. This amino acid position is highly conserved in available vertebrate species. In addition, this alteration is predicted to be tolerated by in silico analysis. Since supporting evidence is limited at this time, the clinical significance of this alteration remains unclear.

NM_024529.5(CDC73):c.743A>C (p.Asn248Thr)

Gene: CDC73 (cell division cycle 73; plus strand). Cytogenetic location: 1q31.2.
Variant type: single nucleotide variant.
Coding change: c.743A>C on transcript NM_024529.5 (MANE Select); coding-DNA position 743, A replaced by C.
Protein change: p.Asn248Thr; replaces asparagine 248 with threonine.
Molecular consequence: missense variant.
Genome position (GRCh38, 1-based): chr1:193,147,880, A>C. VCF-style: chr1-193147880-A-C. GRCh37 (hg19) VCF-style: chr1-193117010-A-C.
Other names: short protein forms N248T.
Identifiers: ClinVar variation 1758913 (VCV001758913.2), dbSNP rs2527336701, ClinGen allele CA343963827.